The following is an entry in ClinVar:

ClinVar aggregate classification (germline): Pathogenic (1 of 4 stars; one submission).

Submission:

GeneDx
Classification: Pathogenic. Last evaluated: 2020-05-11. Review status: criteria provided, single submitter. Criteria: GeneDx Variant Classification Process June 2021. Collection method: clinical testing. Allele origin: germline. Affected: yes.
Comment: Not observed in large population cohorts (Lek et al., 2016); In silico analysis, which includes protein predictors and evolutionary conservation, supports a deleterious effect; Has not been previously published as pathogenic or benign to our knowledge; This variant is associated with the following publications: (PMID: 19625202)

NM_052845.4(MMAB):c.568C>G (p.Arg190Gly)

Gene: MMAB (metabolism of cobalamin associated B; minus strand). Cytogenetic location: 12q24.11.
Variant type: single nucleotide variant.
Coding change: c.568C>G on transcript NM_052845.4 (MANE Select); coding-DNA position 568, C replaced by G.
Protein change: p.Arg190Gly; replaces arginine 190 with glycine.
Molecular consequence: missense variant. On other transcripts: non-coding transcript variant (1).
Genome position (GRCh38, 1-based): chr12:109,561,056, G>C on the plus strand (C>G on the coding strand, the complement: MMAB is on the minus strand). VCF-style: chr12-109561056-G-C. GRCh37 (hg19) VCF-style: chr12-109998861-G-C.
Other names: short protein forms R190G.
Identifiers: ClinVar variation 279853 (VCV000279853.3), dbSNP rs398124434, ClinGen allele CA10603291.
Genomic context (GRCh38, chr12:109,561,056, plus strand): 5'-TCTCCCTCTCCCTTGGGCCCTCTCCCTCTCTCCAGCCCTCTTACCGTCTCTCGGCCCGGC[G>C]GCACACGGCCCGGCAGAAATGCAGCGCCGAGCTGATCTTGCCTCCCGACTGAAAGGAGAA-3'
Protein context (NP_443077.1, residues 180-200): SALHFCRAVC[Arg190Gly]RAERRVVPLV